The following is an entry in ClinVar:

ClinVar aggregate classification (germline): Uncertain significance (1 of 4 stars; one submission).

Conditions:
Emery-Dreifuss muscular dystrophy 5, autosomal dominant (EDMD5). Also called: EMERY-DREIFUSS MUSCULAR DYSTROPHY 5. Identifiers: Orphanet 261, MedGen C2751805, MONDO:0013072, OMIM 612999.

Submission:

Labcorp Genetics (formerly Invitae), Labcorp
Classification: Uncertain significance for Emery-Dreifuss muscular dystrophy 5, autosomal dominant. Last evaluated: 2022-03-18. Review status: criteria provided, single submitter. Criteria: Invitae Variant Classification Sherloc (09022015). Collection method: clinical testing. Allele origin: germline.
Comment: In summary, the available evidence is currently insufficient to determine the role of this variant in disease. Therefore, it has been classified as a Variant of Uncertain Significance. Algorithms developed to predict the effect of missense changes on protein structure and function output the following: SIFT: "Tolerated"; PolyPhen-2: "Benign"; Align-GVGD: "Class C0". The valine amino acid residue is found in multiple mammalian species, which suggests that this missense change does not adversely affect protein function. This variant has not been reported in the literature in individuals affected with SYNE2-related conditions. This variant is not present in population databases (gnomAD no frequency). This sequence change replaces isoleucine, which is neutral and non-polar, with valine, which is neutral and non-polar, at codon 2962 of the SYNE2 protein (p.Ile2962Val).

NM_182914.3(SYNE2):c.8884A>G (p.Ile2962Val)

Gene: SYNE2 (spectrin repeat containing nuclear envelope protein 2; plus strand). Cytogenetic location: 14q23.2.
Variant type: single nucleotide variant.
Coding change: c.8884A>G on transcript NM_182914.3 (MANE Select); coding-DNA position 8884, A replaced by G.
Protein change: p.Ile2962Val; replaces isoleucine 2962 with valine.
Molecular consequence: missense variant.
Genome position (GRCh38, 1-based): chr14:64,052,797, A>G. VCF-style: chr14-64052797-A-G. GRCh37 (hg19) VCF-style: chr14-64519515-A-G.
Other names: c.8884A>G, p.Ile2962Val (NM_015180.6); short protein forms I2962V.
Identifiers: ClinVar variation 1477523 (VCV001477523.8), dbSNP rs2153576994, ClinGen allele CA389972641.